The following is an entry in ClinVar:

ClinVar aggregate classification (germline): Likely pathogenic (1 of 4 stars; one submission).

Conditions:
Ogden syndrome (OGDNS). Also called: N-TERMINAL ACETYLTRANSFERASE DEFICIENCY. Identifiers: Orphanet 276432, MedGen C3275447, MONDO:0010457, OMIM 300855.

Submission:

3billion
Classification: Likely pathogenic for Ogden syndrome. Last evaluated: 2022-09-01. Review status: criteria provided, single submitter. Criteria: ACMG Guidelines, 2015. Collection method: clinical testing. Allele origin: germline. Affected: yes. Observed: 1 heterozygote.
Comment: The variant is not observed in the gnomAD v2.1.1 dataset. Missense changes are a common disease-causing mechanism. In silico tool predictions suggest damaging effect of the variant on gene or gene product (REVEL: 0.54; 3Cnet: 0.96). A different missense change at the same codon (p.Tyr43Ser) has been reported to be associated with NAA10 -related disorder (ClinVar ID: VCV000218104 / PMID: 26522270). The variant has been reported as assumed (i.e. paternity and maternity not confirmed) de novo in at least one similarly affected unrelated individual (3b dataset). Therefore, this variant is classified as Likely pathogenic according to the recommendation of ACMG/AMP guideline.

Literature cited by the submitters: PubMed 26522270.

NM_003491.4(NAA10):c.128A>G (p.Tyr43Cys)

Gene: NAA10 (N-alpha-acetyltransferase 10, NatA catalytic subunit; minus strand). Cytogenetic location: Xq28.
Variant type: single nucleotide variant.
Coding change: c.128A>G on transcript NM_003491.4 (MANE Select); coding-DNA position 128, A replaced by G.
Protein change: p.Tyr43Cys; replaces tyrosine 43 with cysteine.
Molecular consequence: missense variant.
Genome position (GRCh38, 1-based): chrX:153,933,994, T>C on the plus strand (A>G on the coding strand, the complement: NAA10 is on the minus strand). VCF-style: chrX-153933994-T-C. GRCh37 (hg19) VCF-style: chrX-153199447-T-C.
Other names: c.128A>G, p.Tyr43Cys (NM_001256119.2, NM_001256120.2); short protein forms Y43C.
Identifiers: ClinVar variation 1705306 (VCV001705306.1), dbSNP rs863225427, ClinGen allele CA415160230.